The following is an entry in ClinVar:

NM_007327.4(GRIN1):c.2005G>C (p.Asp669His)

Gene: GRIN1 (glutamate ionotropic receptor NMDA type subunit 1; plus strand). Cytogenetic location: 9q34.3.
Variant type: single nucleotide variant.
Coding change: c.2005G>C on transcript NM_007327.4 (MANE Select); coding-DNA position 2005, G replaced by C.
Protein change: p.Asp669His; replaces aspartic acid 669 with histidine.
Molecular consequence: missense variant.
Genome position (GRCh38, 1-based): chr9:137,162,731, G>C. VCF-style: chr9-137162731-G-C. GRCh37 (hg19) VCF-style: chr9-140057183-G-C.
Other names: c.2005G>C, p.Asp669His (NM_000832.7, NM_021569.4); c.2068G>C, p.Asp690His (NM_001185090.2, NM_001185091.2); short protein forms D690H, D669H.
Identifiers: ClinVar variation 1461621 (VCV001461621.8), dbSNP rs2131299466, ClinGen allele CA375721434.

ClinVar aggregate classification (germline): Uncertain significance (1 of 4 stars; one submission).

Conditions:
Neurodevelopmental disorder with or without hyperkinetic movements and seizures, autosomal dominant. Also called: Intellectual disability, autosomal dominant 8. Identifiers: MedGen C3280282, MONDO:0013655, OMIM 614254.

Submission:

Labcorp Genetics (formerly Invitae), Labcorp
Classification: Uncertain significance for Neurodevelopmental disorder with or without hyperkinetic movements and seizures, autosomal dominant. Last evaluated: 2020-11-11. Review status: criteria provided, single submitter. Criteria: Invitae Variant Classification Sherloc (09022015). Collection method: clinical testing. Allele origin: germline.
Comment: This sequence change replaces aspartic acid with histidine at codon 669 of the GRIN1 protein (p.Asp669His). The aspartic acid residue is highly conserved and there is a moderate physicochemical difference between aspartic acid and histidine. In summary, the available evidence is currently insufficient to determine the role of this variant in disease. Therefore, it has been classified as a Variant of Uncertain Significance. Advanced modeling of protein sequence and biophysical properties (such as structural, functional, and spatial information, amino acid conservation, physicochemical variation, residue mobility, and thermodynamic stability) performed at Invitae indicates that this missense variant is expected to disrupt GRIN1 protein function. This variant has not been reported in the literature in individuals with GRIN1-related conditions. This variant is not present in population databases (ExAC no frequency).